The following is an entry in ClinVar:

NM_005751.5(AKAP9):c.3119A>T (p.Lys1040Ile)

Gene: AKAP9 (A-kinase anchoring protein 9; plus strand). Cytogenetic location: 7q21.2.
Variant type: single nucleotide variant.
Coding change: c.3119A>T on transcript NM_005751.5 (MANE Select); coding-DNA position 3119, A replaced by T.
Protein change: p.Lys1040Ile; replaces lysine 1040 with isoleucine.
Molecular consequence: missense variant.
Genome position (GRCh38, 1-based): chr7:92,003,036, A>T. VCF-style: chr7-92003036-A-T. GRCh37 (hg19) VCF-style: chr7-91632350-A-T.
Other names: c.3119A>T, p.Lys1040Ile (NM_147185.3); short protein forms K1040I.
Identifiers: ClinVar variation 2738694 (VCV002738694.4), dbSNP rs1479901490, ClinGen allele CA368125678.
Genomic context (GRCh38, chr7:92,003,036, plus strand): 5'-TAGATGGAGTTGTGACCATGACAAGCAGGGGTGCTGAAGGATCAGTTTCTAAAGTAAATA[A>T]AAGTTTTGGTGAAGAATCAAAAATAATGGTGGAAGATAAAGTTTCTTTTGAAAATATGAC-3'
Protein context (NP_005742.4, residues 1030-1050): GAEGSVSKVN[Lys1040Ile]SFGEESKIMV

ClinVar aggregate classification (germline): Uncertain significance. Review status: criteria provided, multiple submitters, no conflicts (2 of 4 stars). 2 submissions from 2 submitters: Uncertain significance (2). Last evaluated 2024-09-17.

Conditions:
Long QT syndrome (LQTS). Identifiers: MedGen C0023976, MeSH D008133, MONDO:0002442. Disease mechanism: loss of function. Inheritance: Various modes of inheritance.
Cardiovascular phenotype. Identifiers: MedGen CN230736.

gnomAD v4.1: 1 of 1,613,448 alleles (0.000062%); highest among the groups gnomAD compares: Admixed American, 0.0017%; no homozygotes.

Submissions (2):

Ambry Genetics
Classification: Uncertain significance for Cardiovascular phenotype. Last evaluated: 2024-09-17. Review status: criteria provided, single submitter. Criteria: Ambry Variant Classification Scheme 2023. Collection method: clinical testing. Allele origin: germline.
Comment: The p.K1040I variant (also known as c.3119A>T), located in coding exon 8 of the AKAP9 gene, results from an A to T substitution at nucleotide position 3119. The lysine at codon 1040 is replaced by isoleucine, an amino acid with dissimilar properties. This amino acid position is conserved. In addition, this alteration is predicted to be tolerated by in silico analysis. Based on the available evidence, the clinical significance of this variant remains unclear.

Labcorp Genetics (formerly Invitae), Labcorp
Classification: Uncertain significance for Long QT syndrome. Last evaluated: 2023-05-22. Review status: criteria provided, single submitter. Criteria: Invitae Variant Classification Sherloc (09022015). Collection method: clinical testing. Allele origin: germline.
Comment: This sequence change replaces lysine, which is basic and polar, with isoleucine, which is neutral and non-polar, at codon 1040 of the AKAP9 protein (p.Lys1040Ile). This variant is not present in population databases (gnomAD no frequency). This variant has not been reported in the literature in individuals affected with AKAP9-related conditions. An algorithm developed to predict the effect of missense changes on protein structure and function (PolyPhen-2) suggests that this variant is likely to be disruptive. In summary, the available evidence is currently insufficient to determine the role of this variant in disease. Therefore, it has been classified as a Variant of Uncertain Significance.